The following is an entry in ClinVar:

ClinVar aggregate classification (germline): Pathogenic/Likely pathogenic. Review status: criteria provided, multiple submitters, no conflicts (2 of 4 stars). 2 submissions from 2 submitters: Pathogenic (1); Likely pathogenic (1). Last evaluated 2025-07-23.

Conditions:
Adams-Oliver syndrome 5 (AOS5). Identifiers: Orphanet 974, MedGen C4014970, MONDO:0014459, OMIM 616028.

Submissions (2):

GeneDx
Classification: Likely pathogenic. Last evaluated: 2025-07-23. Review status: criteria provided, single submitter. Criteria: GeneDx Variant Classification Process June 2021. Collection method: clinical testing. Allele origin: germline. Affected: yes.
Comment: Nonsense variant predicted to result in protein truncation or nonsense mediated decay in a gene for which loss of function is a known mechanism of disease; Not observed at significant frequency in large population cohorts (gnomAD); Has not been previously published as pathogenic or benign to our knowledge; This variant is associated with the following publications: (PMID: 35947102)

Labcorp Genetics (formerly Invitae), Labcorp
Classification: Pathogenic for Adams-Oliver syndrome 5. Last evaluated: 2021-12-27. Review status: criteria provided, single submitter. Criteria: Invitae Variant Classification Sherloc (09022015). Collection method: clinical testing. Allele origin: germline.
Comment: For these reasons, this variant has been classified as Pathogenic. This variant has not been reported in the literature in individuals affected with NOTCH1-related conditions. This variant is not present in population databases (gnomAD no frequency). This sequence change creates a premature translational stop signal (p.Gln1495*) in the NOTCH1 gene. It is expected to result in an absent or disrupted protein product. Loss-of-function variants in NOTCH1 are known to be pathogenic (PMID: 16025100, 21457232, 25132448, 25963545).

Literature cited by the submitters: PubMed 16025100 (cited by Labcorp Genetics (formerly Invitae), Labcorp); PubMed 21457232 (cited by Labcorp Genetics (formerly Invitae), Labcorp); PubMed 25132448 (cited by Labcorp Genetics (formerly Invitae), Labcorp); PubMed 25963545 (cited by Labcorp Genetics (formerly Invitae), Labcorp).

NM_017617.5(NOTCH1):c.4483C>T (p.Gln1495Ter)

Gene: NOTCH1 (notch receptor 1; minus strand). Cytogenetic location: 9q34.3.
Variant type: single nucleotide variant.
Coding change: c.4483C>T on transcript NM_017617.5 (MANE Select); coding-DNA position 4483, C replaced by T.
Protein change: p.Gln1495Ter; replaces glutamine 1495 with a stop codon.
Molecular consequence: nonsense.
Genome position (GRCh38, 1-based): chr9:136,505,413, G>A on the plus strand (C>T on the coding strand, the complement: NOTCH1 is on the minus strand). VCF-style: chr9-136505413-G-A. GRCh37 (hg19) VCF-style: chr9-139399865-G-A.
Other names: c.4483C>T (NM_017617.3); short protein forms Q1495*.
Identifiers: ClinVar variation 1452411 (VCV001452411.7), dbSNP rs1036363986, ClinGen allele CA375647210.